The following is an entry in ClinVar:

NM_001024630.4(RUNX2):c.173_227del (p.Gln58fs)

Genes: RUNX2 (RUNX family transcription factor 2; plus strand), LOC109611589 (runt related transcription factor 2 polyalanine expansion region; plus strand). Cytogenetic location: 6p21.1.
Variant type: Deletion.
Coding change: c.173_227del on transcript NM_001024630.4 (MANE Select); coding-DNA positions 173 to 227, 55 bases deleted.
Protein change: p.Gln58fs; shifts the reading frame from glutamine 58.
Molecular consequence: frameshift variant.
Genome position (GRCh38, 1-based): chr6:45,422,707-45,422,761, 55 bases deleted. GRCh37 (hg19): chr6:45,390,444-45,390,498.
Other names: c.173_227del, p.Gln58fs (NM_001015051.4); c.131_185del, p.Gln44fs (NM_001278478.2, NM_001369405.1); c.131_185del55, p.Gln44Argfs (NM_004348.3); short protein forms Q44fs, Q58fs.
Identifiers: ClinVar variation 2572649 (VCV002572649.1), dbSNP rs2548581758, ClinGen allele CA2580614891.

ClinVar aggregate classification (germline): Likely pathogenic (1 of 4 stars; one submission).

Conditions:
Cleidocranial dysostosis (CLCD1). Also called: Cleidocranial Dysplasia Spectrum Disorder; cleidocranial dysplasia 1; Marie-Sainton disease. Identifiers: Orphanet 1452, MedGen C0008928, MONDO:0007340, OMIM 119600.

Submission:

Laboratory of Medical Genetics, National & Kapodistrian University of Athens
Classification: Likely pathogenic for Cleidocranial dysostosis. Last evaluated: 2023-03-31. Review status: criteria provided, single submitter. Criteria: ACMG Guidelines, 2015. Collection method: clinical testing. Allele origin: germline. Affected: yes.
Comment: PVS1, PM2